The following is an entry in ClinVar:

ClinVar aggregate classification (germline): Uncertain significance. Review status: criteria provided, multiple submitters, no conflicts (2 of 4 stars). 5 submissions from 5 submitters: Uncertain significance (5). Last evaluated 2024-05-14.

Conditions:
Breast-ovarian cancer, familial, susceptibility to, 4. Identifiers: Orphanet 145, MedGen C3280345, MONDO:0013669, OMIM 614291.
Hereditary cancer-predisposing syndrome. Also called: Neoplastic Syndromes, Hereditary; Tumor predisposition; Hereditary neoplastic syndrome; Hereditary Cancer Syndrome. Identifiers: Orphanet 140162, MedGen C0027672, MeSH D009386, MONDO:0015356.

Submissions (5):

Color Diagnostics, LLC DBA Color Health
Classification: Uncertain significance for Hereditary cancer-predisposing syndrome. Last evaluated: 2024-05-14. Review status: criteria provided, single submitter. Criteria: ACMG Guidelines, 2015. Collection method: clinical testing. Allele origin: germline.
Comment: This missense variant replaces alanine with valine at codon 163 of the RAD51D protein. Computational prediction suggests that this variant may not impact protein structure and function. To our knowledge, functional studies have not been reported for this variant. This variant has not been reported in individuals affected with RAD51D-related disorders in the literature. This variant has not been identified in the general population by the Genome Aggregation Database (gnomAD). The available evidence is insufficient to determine the role of this variant in disease conclusively. Therefore, this variant is classified as a Variant of Uncertain Significance.

Labcorp Genetics (formerly Invitae), Labcorp
Classification: Uncertain significance for Breast-ovarian cancer, familial, susceptibility to, 4. Last evaluated: 2024-03-07. Review status: criteria provided, single submitter. Criteria: Invitae Variant Classification Sherloc (09022015). Collection method: clinical testing. Allele origin: germline.
Comment: This sequence change replaces alanine, which is neutral and non-polar, with valine, which is neutral and non-polar, at codon 163 of the RAD51D protein (p.Ala163Val). This variant is not present in population databases (gnomAD no frequency). This variant has not been reported in the literature in individuals affected with RAD51D-related conditions. ClinVar contains an entry for this variant (Variation ID: 825260). An algorithm developed to predict the effect of missense changes on protein structure and function (PolyPhen-2) suggests that this variant is likely to be disruptive. In summary, the available evidence is currently insufficient to determine the role of this variant in disease. Therefore, it has been classified as a Variant of Uncertain Significance.

Ambry Genetics
Classification: Uncertain significance for Hereditary cancer-predisposing syndrome. Last evaluated: 2024-01-13. Review status: criteria provided, single submitter. Criteria: Ambry Variant Classification Scheme 2023. Collection method: clinical testing. Allele origin: germline.
Comment: The p.A163V variant (also known as c.488C>T), located in coding exon 6 of the RAD51D gene, results from a C to T substitution at nucleotide position 488. The alanine at codon 163 is replaced by valine, an amino acid with similar properties. This amino acid position is highly conserved in available vertebrate species. In addition, the in silico prediction for this alteration is inconclusive. Since supporting evidence is limited at this time, the clinical significance of this alteration remains unclear.

GeneDx
Classification: Uncertain significance. Last evaluated: 2022-10-28. Review status: criteria provided, single submitter. Criteria: GeneDx Variant Classification Process June 2021. Collection method: clinical testing. Allele origin: germline. Affected: yes.
Comment: Not observed at significant frequency in large population cohorts (gnomAD); In silico analysis supports that this missense variant has a deleterious effect on protein structure/function; Has not been previously published as pathogenic or benign to our knowledge; This variant is associated with the following publications: (PMID: 21111057, 14704354)

Women's Health and Genetics/Laboratory Corporation of America, LabCorp
Classification: Uncertain significance. Last evaluated: 2021-07-05. Review status: criteria provided, single submitter. Criteria: LabCorp Variant Classification Summary - May 2015. Collection method: clinical testing. Allele origin: germline.
Comment: Variant summary: RAD51D c.488C>T (p.Ala163Val) results in a non-conservative amino acid change located in the AAA+ ATPase domain (IPR003593) of the encoded protein sequence. Three of five in-silico tools predict a damaging effect of the variant on protein function. The variant was absent in 247132 control chromosomes. The available data on variant occurrences in the general population are insufficient to allow any conclusion about variant significance. To our knowledge, no occurrence of c.488C>T in individuals affected with Hereditary Breast And Ovarian Cancer Syndrome and no experimental evidence demonstrating its impact on protein function have been reported. Three clinical diagnostic laboratories have submitted clinical-significance assessments for this variant to ClinVar after 2014 without evidence for independent evaluation. All laboratories classified the variant as uncertain significance. Based on the evidence outlined above, the variant was classified as uncertain significance.

NM_002878.4(RAD51D):c.488C>T (p.Ala163Val)

Genes: RAD51L3-RFFL (RAD51L3-RFFL readthrough; minus strand), RAD51D (RAD51 paralog D; minus strand). Cytogenetic location: 17q12.
Variant type: single nucleotide variant.
Coding change: c.488C>T on transcript NM_002878.4 (MANE Select); coding-DNA position 488, C replaced by T.
Protein change: p.Ala163Val; replaces alanine 163 with valine.
Molecular consequence: missense variant. On other transcripts: non-coding transcript variant (3).
Genome position (GRCh38, 1-based): chr17:35,106,474, G>A on the plus strand (C>T on the coding strand, the complement: RAD51D is on the minus strand). VCF-style: chr17-35106474-G-A. GRCh37 (hg19) VCF-style: chr17-33433493-G-A.
Other names: c.548C>T, p.Ala183Val (NM_001142571.2); c.152C>T, p.Ala51Val (NM_133629.3); short protein forms A183V, A163V, A51V.
Identifiers: ClinVar variation 825260 (VCV000825260.16), dbSNP rs775176916, ClinGen allele CA399089036.